The following is an entry in ClinVar:

NM_032758.4(PHF5A):c.162C>A (p.Tyr54Ter)

Gene: PHF5A (PHD finger protein 5A; minus strand). Cytogenetic location: 22q13.2.
Variant type: single nucleotide variant.
Coding change: c.162C>A on transcript NM_032758.4 (MANE Select); coding-DNA position 162, C replaced by A.
Protein change: p.Tyr54Ter; replaces tyrosine 54 with a stop codon.
Molecular consequence: nonsense.
Genome position (GRCh38, 1-based): chr22:41,467,529, G>T on the plus strand (C>A on the coding strand, the complement: PHF5A is on the minus strand). VCF-style: chr22-41467529-G-T. GRCh37 (hg19) VCF-style: chr22-41863533-G-T.
Other names: short protein forms Y54*.
Identifiers: ClinVar variation 4278640 (VCV004278640.1).

ClinVar aggregate classification (germline): Pathogenic (1 of 4 stars; one submission).

Submission:

GeneDx
Classification: Pathogenic. Last evaluated: 2025-01-17. Review status: criteria provided, single submitter. Criteria: GeneDx Variant Classification Process June 2021. Collection method: clinical testing. Allele origin: germline. Affected: yes.
Comment: Nonsense variant predicted to result in protein truncation or nonsense mediated decay in a gene or region of a gene for which loss of function is not a well-established mechanism of disease; Not observed at significant frequency in large population cohorts (gnomAD); This variant is associated with the following publications: (PMID: 37422718, 33811463)